The following is an entry in ClinVar:

NM_133497.4(KCNV2):c.1015G>A (p.Asp339Asn)

Gene: KCNV2 (potassium voltage-gated channel modifier subfamily V member 2; plus strand). Cytogenetic location: 9p24.2.
Variant type: single nucleotide variant.
Coding change: c.1015G>A on transcript NM_133497.4 (MANE Select); coding-DNA position 1015, G replaced by A.
Protein change: p.Asp339Asn; replaces aspartic acid 339 with asparagine.
Molecular consequence: missense variant.
Genome position (GRCh38, 1-based): chr9:2,718,754, G>A. VCF-style: chr9-2718754-G-A. GRCh37 (hg19) VCF-style: chr9-2718754-G-A.
Other names: c.1015G>A (NM_133497.3); short protein forms D339N.
Identifiers: ClinVar variation 2077711 (VCV002077711.5), dbSNP rs781116632, ClinGen allele CA4965726.

ClinVar aggregate classification (germline): Conflicting classifications of pathogenicity. Review status: criteria provided, conflicting classifications (1 of 4 stars). 2 submissions from 2 submitters: Likely pathogenic (1); Uncertain significance (1). Last evaluated 2023-08-11.

Conditions:
KCNV2-related disorder. Also called: KCNV2-related condition.

Allele frequency attached by ClinVar (database versions not stated): ExAC 0.00001.
gnomAD v4.1: 8 of 1,611,676 alleles (0.0005%); highest among the groups gnomAD compares: Admixed American, 0.01%; no homozygotes.

Submissions (2):

PreventionGenetics, part of Exact Sciences
Classification: Likely pathogenic for KCNV2-related condition. Last evaluated: 2023-08-11. Review status: criteria provided, single submitter. Criteria: ACMG Guidelines, 2015. Collection method: clinical testing. Allele origin: germline.
Comment: The KCNV2 c.1015G>A variant is predicted to result in the amino acid substitution p.Asp339Asn. To our knowledge, this variant has not been reported in the literature. This variant has been detected along with a likely pathogenic KCNV2 variant in two individuals from a family undergoing retinal dystrophy testing at PreventionGenetics (internal data). This variant is reported in 0.014% of alleles in individuals of Latino descent in gnomAD. Given the evidence, we interpret this variant as likely pathogenic.

Labcorp Genetics (formerly Invitae), Labcorp
Classification: Uncertain significance. Last evaluated: 2022-01-16. Review status: criteria provided, single submitter. Criteria: Invitae Variant Classification Sherloc (09022015). Collection method: clinical testing. Allele origin: germline.
Comment: In summary, the available evidence is currently insufficient to determine the role of this variant in disease. Therefore, it has been classified as a Variant of Uncertain Significance. Advanced modeling of protein sequence and biophysical properties (such as structural, functional, and spatial information, amino acid conservation, physicochemical variation, residue mobility, and thermodynamic stability) performed at Invitae indicates that this missense variant is expected to disrupt KCNV2 protein function. This variant has not been reported in the literature in individuals affected with KCNV2-related conditions. This variant is present in population databases (rs781116632, gnomAD 0.01%). This sequence change replaces aspartic acid, which is acidic and polar, with asparagine, which is neutral and polar, at codon 339 of the KCNV2 protein (p.Asp339Asn).